The following is an entry in ClinVar:

ClinVar aggregate classification (germline): Likely benign. Review status: criteria provided, multiple submitters, no conflicts (2 of 4 stars). 3 submissions from 3 submitters: Likely benign (2). 1 of the submissions does not count toward it. Last evaluated 2026-01-02.

Conditions:
ANKZF1-related disorder. Also called: ANKZF1-related condition.

Allele frequency attached by ClinVar (database versions not stated): ExAC 0.00006; 1000 Genomes Project 0.00020; 1000 Genomes Project 30x 0.00031; ESP Exome Variant Server 0.00032.

Submissions (3):

Labcorp Genetics (formerly Invitae), Labcorp
Classification: Likely benign. Last evaluated: 2026-01-02. Review status: criteria provided, single submitter. Criteria: Invitae Variant Classification Sherloc (09022015). Collection method: clinical testing. Allele origin: germline.

Breakthrough Genomics
Classification: Likely benign. Review status: criteria provided, single submitter. Criteria: ACMG Guidelines, 2015. Collection method: not provided. Allele origin: germline. Inheritance: Unknown mechanism. Affected: yes.

PreventionGenetics, part of Exact Sciences
Classification: Likely benign for ANKZF1-related condition. Last evaluated: 2019-03-18. Review status: no assertion criteria provided. Collection method: clinical testing. Allele origin: germline. Not counted in ClinVar's aggregate classification.
Comment: This variant is classified as likely benign based on ACMG/AMP sequence variant interpretation guidelines (Richards et al. 2015 PMID: 25741868, with internal and published modifications).

NM_018089.3(ANKZF1):c.1581C>T (p.Leu527=)

Gene: ANKZF1 (ankyrin repeat and zinc finger peptidyl tRNA hydrolase 1; plus strand). Cytogenetic location: 2q35.
Variant type: single nucleotide variant.
Coding change: c.1581C>T on transcript NM_018089.3 (MANE Select); coding-DNA position 1581, C replaced by T.
Protein change: p.Leu527=; no amino-acid change (leucine 527 retained).
Molecular consequence: synonymous variant.
Genome position (GRCh38, 1-based): chr2:219,235,202, C>T. VCF-style: chr2-219235202-C-T. GRCh37 (hg19) VCF-style: chr2-220099924-C-T.
Other names: c.1581C>T, p.Leu527= (NM_001042410.2); c.951C>T, p.Leu317= (NM_001282792.2); c.1581C>T (NM_018089.2).
Identifiers: ClinVar variation 2419492 (VCV002419492.10), dbSNP rs372235404, ClinGen allele CA2121099.
Genomic context (GRCh38, chr2:219,235,202, plus strand): 5'-TGGAGTGCTAAAGCTGCAGCTAGCTCCCAGCCCTGCAGACCCTAGAGTTCTGTCTCTGCT[C>T]AGTGCCCCCTTGGGCTCCGGTGGCTTTACTCTCCTGCATGCAGCAGCTGCAGCTGGAAGA-3'
Protein context (NP_060559.2, residues 517-537): SPADPRVLSL[Leu527=]SAPLGSGGFT